The following is an entry in ClinVar:

NM_000548.5(TSC2):c.5279A>G (p.Tyr1760Cys)

Gene: TSC2 (TSC complex subunit 2; plus strand). Cytogenetic location: 16p13.3.
Variant type: single nucleotide variant.
Coding change: c.5279A>G on transcript NM_000548.5 (MANE Select); coding-DNA position 5279, A replaced by G.
Protein change: p.Tyr1760Cys; replaces tyrosine 1760 with cysteine.
Molecular consequence: missense variant.
Genome position (GRCh38, 1-based): chr16:2,088,465, A>G. VCF-style: chr16-2088465-A-G. GRCh37 (hg19) VCF-style: chr16-2138466-A-G.
Other names: c.5210A>G, p.Tyr1737Cys (NM_001114382.3); c.4970A>G, p.Tyr1657Cys (NM_001318827.2); c.4934A>G, p.Tyr1645Cys (NM_001318829.2); c.4547A>G, p.Tyr1516Cys (NM_001318831.2); c.5111A>G, p.Tyr1704Cys (NM_001318832.2); c.5081A>G, p.Tyr1694Cys (NM_001363528.2); c.5147A>G, p.Tyr1716Cys (NM_001370404.1); c.5138A>G, p.Tyr1713Cys (NM_001370405.1); and 2 more; short protein forms Y1716C, Y1516C, Y1693C, Y1694C, Y1704C, Y1713C, Y1717C, Y1657C.
Identifiers: ClinVar variation 825610 (VCV000825610.15), dbSNP rs1261020269, ClinGen allele CA394315180.

ClinVar aggregate classification (germline): Conflicting classifications of pathogenicity. Review status: criteria provided, conflicting classifications (1 of 4 stars). 4 submissions from 4 submitters: Uncertain significance (3); Benign (1). Last evaluated 2025-12-16.

Conditions:
Tuberous sclerosis 2 (TSC2). Identifiers: Orphanet 805, MedGen C1860707, MONDO:0013199, OMIM 613254.
Tuberous sclerosis syndrome (TSC). Also called: Tuberous Sclerosis Complex; Tuberous sclerosis. Identifiers: Orphanet 805, MedGen C0041341, MONDO:0001734.
Hereditary cancer-predisposing syndrome. Also called: Neoplastic Syndromes, Hereditary; Hereditary Cancer Syndrome; Hereditary neoplastic syndrome; Tumor predisposition. Identifiers: Orphanet 140162, MedGen C0027672, MeSH D009386, MONDO:0015356.

Allele frequency attached by ClinVar (database versions not stated): gnomAD 0.00002.
gnomAD v4.1: 5 of 1,612,294 alleles (0.00031%); highest among the groups gnomAD compares: Admixed American, 0.0017%; no homozygotes.

Submissions (4):

Labcorp Genetics (formerly Invitae), Labcorp
Classification: Benign for Tuberous sclerosis 2. Last evaluated: 2025-12-16. Review status: criteria provided, single submitter. Criteria: Invitae Variant Classification Sherloc (09022015). Collection method: clinical testing. Allele origin: germline.

Ambry Genetics
Classification: Uncertain significance for Hereditary cancer-predisposing syndrome. Last evaluated: 2025-06-16. Review status: criteria provided, single submitter. Criteria: Ambry Variant Classification Scheme 2023. Collection method: clinical testing. Allele origin: germline.

All of Us Research Program, National Institutes of Health
Classification: Uncertain significance for Tuberous sclerosis syndrome. Last evaluated: 2023-11-02. Review status: criteria provided, single submitter. Criteria: ACMG Guidelines, 2015. Collection method: clinical testing. Allele origin: germline. Inheritance: Autosomal dominant inheritance. Observed: 1 variant allele, 1 heterozygote.
Comment: This missense variant replaces tyrosine with cysteine at codon 1760 of the TSC2 protein. Computational prediction is inconclusive regarding the impact of this variant on protein structure and function (internally defined REVEL score threshold 0.5 < inconclusive < 0.7, PMID: 27666373). To our knowledge, functional studies have not been reported for this variant. This variant has not been reported in individuals affected with TSC2-related disorders in the literature. This variant has been identified in 1/31274 chromosomes in the general population by the Genome Aggregation Database (gnomAD). The available evidence is insufficient to determine the role of this variant in disease conclusively. Therefore, this variant is classified as a Variant of Uncertain Significance.

This study involves interpretation of variants in research participants for the purpose of population health screening. Participant phenotype was not available at the time of variant classification. Additional details can be found in publication PMID: 35346344, PMCID: PMC8962531

Genome-Nilou Lab
Classification: Uncertain significance for Tuberous sclerosis 2. Last evaluated: 2021-11-07. Review status: criteria provided, single submitter. Criteria: ACMG Guidelines, 2015. Collection method: clinical testing. Allele origin: germline. Affected: no.